The following is an entry in ClinVar:

NM_000051.4(ATM):c.1036del (p.Ile346fs)

Gene: ATM (ATM serine/threonine kinase; plus strand). Cytogenetic location: 11q22.3.
Variant type: Deletion.
Coding change: c.1036del on transcript NM_000051.4 (MANE Select); coding-DNA position 1036, one base deleted (A; older notation c.1036delA).
Protein change: p.Ile346fs; shifts the reading frame from isoleucine 346.
Molecular consequence: frameshift variant.
Genome position (GRCh38, 1-based): chr11:108,247,098, A deleted. VCF-style (leftmost placement, unchanged base first): chr11-108247097-GA-G. GRCh37 (hg19) VCF-style: chr11-108117824-GA-G.
Other names: c.1036delA (NM_000051.3); c.1036del, p.Ile346fs (NM_001351834.2); short protein forms I346fs.
Identifiers: ClinVar variation 580118 (VCV000580118.6), dbSNP rs1565375710, ClinGen allele CA891842904.

ClinVar aggregate classification (germline): Pathogenic (1 of 4 stars; one submission).

Conditions:
Ataxia-telangiectasia syndrome (AT). Also called: Cerebello-oculocutaneous telangiectasia; Immunodeficiency with ataxia telangiectasia; Ataxia telangiectasia (A-T); Ataxia-telangiectasia, complementation group E; LOUIS-BAR SYNDROME; Ataxia-telangiectasia. Identifiers: Orphanet 100, MedGen C0004135, MONDO:0008840, OMIM 208900.

Submission:

Labcorp Genetics (formerly Invitae), Labcorp
Classification: Pathogenic for Ataxia-telangiectasia syndrome. Last evaluated: 2018-06-21. Review status: criteria provided, single submitter. Criteria: Invitae Variant Classification Sherloc (09022015). Collection method: clinical testing. Allele origin: germline.
Comment: This sequence change creates a premature translational stop signal (p.Ile346Leufs*3) in the ATM gene. It is expected to result in an absent or disrupted protein product. This variant is not present in population databases (ExAC no frequency). This variant has not been reported in the literature in individuals with ATM-related disease. Loss-of-function variants in ATM are known to be pathogenic (PMID: 23807571, 25614872). For these reasons, this variant has been classified as Pathogenic.

Literature cited by the submitters: PubMed 23807571; PubMed 25614872.